The following is an entry in ClinVar:

ClinVar aggregate classification (germline): Uncertain significance. Review status: reviewed by expert panel (3 of 4 stars). 2 submissions from 2 submitters: Uncertain significance (1). 1 of the submissions does not count toward it. Last evaluated 2024-08-12.

Conditions:
Mitochondrial disease. Also called: Mitochondrial disorder; Mitochondrial disorders. Identifiers: Orphanet 68380, MedGen C0751651, MeSH D028361, MONDO:0044970.
MELAS syndrome (MELAS). Also called: Juvenile myopathy, encephalopathy, lactic acidosis, stroke. Identifiers: Orphanet 550, MedGen C0162671, MONDO:0010789, OMIM 540000.

Submissions (2):

ClinGen Mitochondrial Disease Nuclear and Mitochondrial  Variant Curation Expert Panel, ClinGen
Classification: Uncertain significance for Mitochondrial disease. Last evaluated: 2024-08-12. Review status: reviewed by expert panel. Criteria: clingen mito disease acmg specifications v1-1. Collection method: curation. Allele origin: germline. Inheritance: Mitochondrial inheritance.
Comment: The m.578T>C variant in MT-TF has been reported once in a cohort of individuals with primary mitochondrial disease, however clinical details were not provided precluding this case from being considered for this curation (PMID: 31965079). This variant has also been reported in monozygotic twins at low heteroplasmy levels. One twin had multiple sclerosis (MS) and one did not. Of note, MS is not considered a primary mitochondrial disease and the heteroplasmy levels were very low, so these individuals were not included in this curation (PMID: 27119776). This variant is absent in the GenBank dataset, Helix dataset, and gnomAD v3.1.2 (PM2_supporting). In silico predictors are conflicting as the computational predictor MitoTIP suggests this variant is possibly pathogenic (78.3 percentile) but HmtVAR predicts it to be neutral with a score of 0.05. There are no cybrids, single fiber studies, or other functional assays reported on this variant. In summary, this variant meets criteria to be classified as uncertain significance for primary mitochondrial disease inherited in a mitochondrial manner. We note one expert felt likely benign was the more appropriate classification. This classification was approved by the NICHD/NINDS U24 ClinGen Mitochondrial Disease Variant Curation Expert Panel on August 12, 2024. Mitochondrial DNA-specific ACMG/AMP criteria applied (PMID: 32906214): PM2_supporting.

Wong Mito Lab, Molecular and Human Genetics, Baylor College of Medicine
Classification: Likely pathogenic for MELAS syndrome. Last evaluated: 2019-07-12. Review status: criteria provided, single submitter. Criteria: Modified ACMG Guidelines (Unpublished). Collection method: clinical testing. Allele origin: germline. Not counted in ClinVar's aggregate classification.
Comment: The NC_012920.1:m.578T>C variant in MT-TF gene is interpreted to be a Likely Pathogenic variant based on the modified ACMG guidelines (unpublished). This variant meets the following evidence codes reported in the guidelines: PM2, PM7, PM9, PP6

Literature cited by the submitters: PubMed 31965079 (cited by Wong Mito Lab, Molecular and Human Genetics, Baylor College of Medicine).

NC_012920.1(MT-TF):m.578T>C

Gene: MT-TF (mitochondrially encoded tRNA phenylalanine; plus strand).
Variant type: single nucleotide variant.
Genome position: chrM-578-T-C.
Identifiers: ClinVar variation 689805 (VCV000689805.2), dbSNP rs1603218446, ClinGen allele CA913175506.